The following is an entry in ClinVar:

ClinVar aggregate classification (germline): Uncertain significance. Review status: criteria provided, multiple submitters, no conflicts (2 of 4 stars). 2 submissions from 2 submitters: Uncertain significance (2). Last evaluated 2025-03-18.

Conditions:
Inborn genetic diseases. Identifiers: MedGen C0950123, MeSH D030342.

gnomAD v4.1: 4 of 1,605,464 alleles (0.00025%); highest among the groups gnomAD compares: Non-Finnish European, 0.00026%; no homozygotes.

Submissions (2):

Ambry Genetics
Classification: Uncertain significance for Inborn genetic diseases. Last evaluated: 2025-03-18. Review status: criteria provided, single submitter. Criteria: Ambry Variant Classification Scheme 2023. Collection method: clinical testing. Allele origin: germline.

GeneDx
Classification: Uncertain significance. Last evaluated: 2025-03-18. Review status: criteria provided, single submitter. Criteria: GeneDx Variant Classification Process June 2021. Collection method: clinical testing. Allele origin: germline. Affected: yes.
Comment: Not observed at significant frequency in large population cohorts (gnomAD); In silico analysis indicates that this missense variant does not alter protein structure/function; Has not been previously published as pathogenic or benign to our knowledge

NM_176787.5(PIGN):c.887T>A (p.Val296Glu)

Gene: PIGN (phosphatidylinositol glycan anchor biosynthesis class N; minus strand). Cytogenetic location: 18q21.33.
Variant type: single nucleotide variant.
Coding change: c.887T>A on transcript NM_176787.5 (MANE Select); coding-DNA position 887, T replaced by A.
Protein change: p.Val296Glu; replaces valine 296 with glutamic acid.
Molecular consequence: missense variant.
Genome position (GRCh38, 1-based): chr18:62,145,944, A>T on the plus strand (T>A on the coding strand, the complement: PIGN is on the minus strand). VCF-style: chr18-62145944-A-T. GRCh37 (hg19) VCF-style: chr18-59813177-A-T.
Other names: c.887T>A, p.Val296Glu (NM_012327.6); short protein forms V296E.
Identifiers: ClinVar variation 3932210 (VCV003932210.2).